The following is an entry in ClinVar:

NM_001243177.4(ALDOA):c.189C>T (p.Thr63=)

Genes: ALDOA (aldolase, fructose-bisphosphate A; plus strand), LOC112694756 (uncharaterized LOC112694756; plus strand). Cytogenetic location: 16p11.2.
Variant type: single nucleotide variant.
Coding change: c.189C>T on transcript NM_001243177.4 (MANE Select); coding-DNA position 189, C replaced by T.
Protein change: p.Thr63=; no amino-acid change (threonine 63 retained).
Molecular consequence: synonymous variant. On other transcripts: 3 prime UTR variant (3).
Genome position (GRCh38, 1-based): chr16:30,067,281, C>T. VCF-style: chr16-30067281-C-T. GRCh37 (hg19) VCF-style: chr16-30078602-C-T.
Other names: NM_000034.3:c.27C>T; c.*536C>T (NM_001365304.2, NM_001365305.2, NM_001365307.2); c.27C>T, p.Thr9= (NM_001127617.2, NM_184041.5, NM_184043.2).
Identifiers: ClinVar variation 2061499 (VCV002061499.6), dbSNP rs188898200, ClinGen allele CA8000846.
Genomic context (GRCh38, chr16:30,067,281, plus strand): 5'-TTCCTGTATCCAGGAACTTGCTACTACCAGCACCATGCCCTACCAATATCCAGCACTGAC[C>T]CCGGAGCAGAAGAAGGAGCTGTCTGACATCGCTCACCGCATCGTGGCACCTGGCAAGGGC-3'
Protein context (NP_001230106.1, residues 53-73): STMPYQYPAL[Thr63=]PEQKKELSDI

ClinVar aggregate classification (germline): Likely benign. Review status: criteria provided, multiple submitters, no conflicts (2 of 4 stars). 3 submissions from 3 submitters: Likely benign (3). Last evaluated 2026-05-29.

Conditions:
HNSHA due to aldolase A deficiency (GSD12). Also called: GLYCOGEN STORAGE DISEASE XII; GSD XII; RED CELL ALDOLASE DEFICIENCY; Glycogen storage disease due to aldolase A deficiency. Identifiers: Orphanet 57, MedGen C0272066, MONDO:0012747, OMIM 611881.
ALDOA-related disorder. Also called: ALDOA-related condition.

Allele frequency attached by ClinVar (database versions not stated): gnomAD exomes 0.00002; gnomAD 0.00003; ExAC 0.00006; 1000 Genomes Project 30x 0.00062; 1000 Genomes Project 0.00080.
gnomAD v4.1: 33 of 1,612,560 alleles (0.002%); highest among the groups gnomAD compares: East Asian, 0.065%; no homozygotes.

Submissions (3):

PreventionGenetics, part of Exact Sciences
Classification: Likely benign for ALDOA-related condition. Last evaluated: 2026-05-29. Review status: criteria provided, single submitter. Criteria: ACMG Guidelines, 2015. Collection method: clinical testing. Allele origin: germline.
Comment: This variant is classified as likely benign based on ACMG/AMP sequence variant interpretation guidelines (Richards et al. 2015 PMID: 25741868, with internal and published modifications).

Blueprint Genetics
Classification: Likely benign. Last evaluated: 2024-09-19. Review status: criteria provided, single submitter. Criteria: ACMG Guidelines, 2015. Collection method: clinical testing. Allele origin: germline.

Labcorp Genetics (formerly Invitae), Labcorp
Classification: Likely benign for HNSHA due to aldolase A deficiency. Last evaluated: 2024-05-01. Review status: criteria provided, single submitter. Criteria: Invitae Variant Classification Sherloc (09022015). Collection method: clinical testing. Allele origin: germline.